The following is an entry in ClinVar:

ClinVar aggregate classification (germline): Uncertain significance (0 of 4 stars; one submission).

Conditions:
PLEC-related disorder. Also called: PLEC-related disorders; PLEC-related condition.

Allele frequency attached by ClinVar (database versions not stated): gnomAD exomes 0.00001; TOPMed 0.00001; ExAC 0.00002.
gnomAD v4.1: 19 of 1,612,916 alleles (0.0012%); highest among the groups gnomAD compares: Non-Finnish European, 0.0015%; no homozygotes.

Submission:

PreventionGenetics, part of Exact Sciences
Classification: Uncertain significance for PLEC-related condition. Last evaluated: 2024-02-23. Review status: no assertion criteria provided. Collection method: clinical testing. Allele origin: germline.
Comment: The PLEC c.12697G>A variant is predicted to result in the amino acid substitution p.Asp4233Asn. To our knowledge, this variant has not been reported in the literature. This variant is reported in 0.0027% of alleles in individuals of European (Non-Finnish) descent in gnomAD. At this time, the clinical significance of this variant is uncertain due to the absence of conclusive functional and genetic evidence.

NM_201384.3(PLEC):c.12616G>A (p.Asp4206Asn)

Gene: PLEC (plectin; minus strand). Cytogenetic location: 8q24.3.
Variant type: single nucleotide variant.
Coding change: c.12616G>A on transcript NM_201384.3 (MANE Select); coding-DNA position 12616, G replaced by A.
Protein change: p.Asp4206Asn; replaces aspartic acid 4206 with asparagine.
Molecular consequence: missense variant.
Genome position (GRCh38, 1-based): chr8:143,917,205, C>T on the plus strand (G>A on the coding strand, the complement: PLEC is on the minus strand). VCF-style: chr8-143917205-C-T. GRCh37 (hg19) VCF-style: chr8-144991373-C-T.
Other names: c.12697G>A, p.Asp4233Asn (NM_000445.5); c.9316G>A, p.Asp3106Asn (NM_001410941.1); c.12574G>A, p.Asp4192Asn (NM_201378.4); c.12550G>A, p.Asp4184Asn (NM_201379.3); c.13027G>A, p.Asp4343Asn (NM_201380.4); c.12520G>A, p.Asp4174Asn (NM_201381.3); c.12616G>A, p.Asp4206Asn (NM_201382.4); c.12628G>A, p.Asp4210Asn (NM_201383.3); short protein forms D3106N, D4174N, D4184N, D4192N, D4206N, D4210N, D4233N, D4343N.
Identifiers: ClinVar variation 3050144 (VCV003050144.2), dbSNP rs782492632, ClinGen allele CA4924037.